The following is an entry in ClinVar:

ClinVar aggregate classification (germline): Likely pathogenic (1 of 4 stars; one submission).

Submission:

GeneDx
Classification: Likely pathogenic. Last evaluated: 2024-02-12. Review status: criteria provided, single submitter. Criteria: GeneDx Variant Classification Process June 2021. Collection method: clinical testing. Allele origin: germline. Affected: yes.
Comment: Canonical splice site variant predicted to result in an in-frame loss of the adjacent exon in a gene for which loss of function is a known mechanism of disease; Not observed at significant frequency in large population cohorts (gnomAD); Has not been previously published as pathogenic or benign to our knowledge; This variant is associated with the following publications: (PMID: 22335739)

NM_001267550.2(TTN):c.57545-1G>T

Genes: TTN (titin; minus strand), TTN-AS1 (TTN antisense RNA 1; plus strand). Cytogenetic location: 2q31.2.
Variant type: single nucleotide variant.
Coding change: c.57545-1G>T on transcript NM_001267550.2 (MANE Select); the canonical splice acceptor site of the intron before coding-DNA position 57545, G replaced by T.
Molecular consequence: splice acceptor variant.
Genome position (GRCh38, 1-based): chr2:178,595,810, C>A on the plus strand (G>T on the coding strand, the complement: TTN is on the minus strand). VCF-style: chr2-178595810-C-A. GRCh37 (hg19) VCF-style: chr2-179460537-C-A.
Other names: c.30350-1G>T (NM_003319.4); c.30926-1G>T (NM_133437.4); c.30725-1G>T (NM_133432.3); c.49841-1G>T (NM_133378.4); c.52622-1G>T (NM_001256850.1).
Identifiers: ClinVar variation 3340742 (VCV003340742.1).